The following is an entry in ClinVar:

ClinVar aggregate classification (germline): Likely pathogenic (1 of 4 stars; one submission).

Conditions:
Citrullinemia. Identifiers: Orphanet 187, MedGen C0175683, MONDO:0015991.

Submission:

Women's Health and Genetics/Laboratory Corporation of America, LabCorp
Classification: Likely pathogenic for Citrullinemia. Last evaluated: 2024-09-10. Review status: criteria provided, single submitter. Criteria: LabCorp Variant Classification Summary - May 2015. Collection method: clinical testing. Allele origin: germline.
Comment: Variant summary: ASS1 c.174+2T>C is located in a canonical splice-site and is predicted to affect mRNA splicing resulting in a significantly altered protein due to either exon skipping, shortening, or inclusion of intronic material. Variants that disrupt the consensus splice site are a relatively common cause of aberrant splicing and loss of ASS1 function. Several computational tools predict a significant impact on normal splicing: Four predict the variant abolishes a 5' splicing donor site. However, these predictions have yet to be confirmed by functional studies. The variant was absent in 249546 control chromosomes. To our knowledge, no occurrence of c.174+2T>C in individuals affected with Citrullinemia Type I and no experimental evidence demonstrating its impact on protein function have been reported. No submitters have cited clinical-significance assessments for this variant to ClinVar. Based on the evidence outlined above, the variant was classified as likely pathogenic.

NM_054012.4(ASS1):c.174+2T>C

Gene: ASS1 (argininosuccinate synthase 1; plus strand). Cytogenetic location: 9q34.11.
Variant type: single nucleotide variant.
Coding change: c.174+2T>C on transcript NM_054012.4 (MANE Select); the canonical splice donor site of the intron after coding-DNA position 174, T replaced by C.
Molecular consequence: splice donor variant.
Genome position (GRCh38, 1-based): chr9:130,454,375, T>C. VCF-style: chr9-130454375-T-C. GRCh37 (hg19) VCF-style: chr9-133329762-T-C.
Other names: c.174+2T>C (NM_000050.4).
Identifiers: ClinVar variation 3374960 (VCV003374960.1).